The following is an entry in ClinVar:

NM_001042492.3(NF1):c.2916_2922del (p.Asp973fs)

Gene: NF1 (neurofibromin 1; plus strand). Cytogenetic location: 17q11.2.
Variant type: Deletion.
Coding change: c.2916_2922del on transcript NM_001042492.3 (MANE Select); coding-DNA positions 2916 to 2922, 7 bases deleted (AGATAAT; older notation c.2916_2922delAGATAAT).
Protein change: p.Asp973fs; shifts the reading frame from aspartic acid 973.
Molecular consequence: frameshift variant.
Genome position (GRCh38, 1-based): chr17:31,229,900-31,229,906, AGATAAT deleted; deleting any 7 consecutive bases within chr17:31,229,899-31,229,906 gives the same sequence; the c. name uses the placement nearest the transcript's 3' end. VCF-style (leftmost placement, unchanged base first): chr17-31229898-CTAGATAA-C. GRCh37 (hg19) VCF-style: chr17-29556916-CTAGATAA-C.
Other names: c.2916_2922delAGATAAT (NM_000267.3); c.2916_2922delAGATAAT, p.Asp973Ilefs (NM_000267.4); short protein forms D973fs.
Identifiers: ClinVar variation 4030162 (VCV004030162.1).

ClinVar aggregate classification (germline): Pathogenic (1 of 4 stars; one submission).

Conditions:
Cardiovascular phenotype. Identifiers: MedGen CN230736.
Hereditary cancer-predisposing syndrome. Also called: Neoplastic Syndromes, Hereditary; Tumor predisposition; Hereditary neoplastic syndrome; Hereditary Cancer Syndrome. Identifiers: Orphanet 140162, MedGen C0027672, MeSH D009386, MONDO:0015356.

Submission:

Ambry Genetics
Classification: Pathogenic for Cardiovascular phenotype; Hereditary cancer-predisposing syndrome. Last evaluated: 2025-05-21. Review status: criteria provided, single submitter. Criteria: Ambry Variant Classification Scheme 2023. Collection method: clinical testing. Allele origin: germline.
Comment: The c.2916_2922delAGATAAT pathogenic mutation, located in coding exon 22 of the NF1 gene, results from a deletion of 7 nucleotides at nucleotide positions 2916 to 2922, causing a translational frameshift with a predicted alternate stop codon (p.D973Ifs*9). This variant is considered to be rare based on population cohorts in the Genome Aggregation Database (gnomAD). This alteration is expected to result in loss of function by premature protein truncation or nonsense-mediated mRNA decay. As such, this alteration is interpreted as a disease-causing mutation.